The following is an entry in ClinVar:

NM_002907.4(RECQL):c.182A>G (p.Tyr61Cys)

Gene: RECQL (RecQ like helicase; minus strand). Cytogenetic location: 12p12.1.
Variant type: single nucleotide variant.
Coding change: c.182A>G on transcript NM_002907.4 (MANE Select); coding-DNA position 182, A replaced by G.
Protein change: p.Tyr61Cys; replaces tyrosine 61 with cysteine.
Molecular consequence: missense variant.
Genome position (GRCh38, 1-based): chr12:21,491,551, T>C on the plus strand (A>G on the coding strand, the complement: RECQL is on the minus strand). VCF-style: chr12-21491551-T-C. GRCh37 (hg19) VCF-style: chr12-21644485-T-C.
Other names: c.182A>G, p.Tyr61Cys (NM_032941.3); short protein forms Y61C.
Identifiers: ClinVar variation 1447106 (VCV001447106.8), dbSNP rs758795895, ClinGen allele CA6479184.

ClinVar aggregate classification (germline): Uncertain significance (1 of 4 stars; one submission).

Allele frequency attached by ClinVar (database versions not stated): gnomAD exomes below 0.00001; ExAC 0.00001.
gnomAD v4.1: 5 of 1,611,544 alleles (0.00031%); highest among the groups gnomAD compares: Non-Finnish European, 0.00042%; no homozygotes.

Submission:

Labcorp Genetics (formerly Invitae), Labcorp
Classification: Uncertain significance. Last evaluated: 2022-01-02. Review status: criteria provided, single submitter. Criteria: Invitae Variant Classification Sherloc (09022015). Collection method: clinical testing. Allele origin: germline.
Comment: This variant has not been reported in the literature in individuals affected with RECQL-related conditions. In summary, the available evidence is currently insufficient to determine the role of this variant in disease. Therefore, it has been classified as a Variant of Uncertain Significance. Algorithms developed to predict the effect of missense changes on protein structure and function output the following: SIFT: "Tolerated"; PolyPhen-2: "Benign"; Align-GVGD: "Class C0". The cysteine amino acid residue is found in multiple mammalian species, which suggests that this missense change does not adversely affect protein function. This variant is present in population databases (rs758795895, gnomAD 0.0009%). This sequence change replaces tyrosine, which is neutral and polar, with cysteine, which is neutral and slightly polar, at codon 61 of the RECQL protein (p.Tyr61Cys).